The following is an entry in ClinVar:

NM_022124.6(CDH23):c.945+12G>A

Gene: CDH23 (cadherin related 23; plus strand). Cytogenetic location: 10q22.1.
Variant type: single nucleotide variant.
Coding change: c.945+12G>A on transcript NM_022124.6 (MANE Select); 12 bases into the intron after coding-DNA position 945, G replaced by A.
Molecular consequence: intron variant.
Genome position (GRCh38, 1-based): chr10:71,615,628, G>A. VCF-style: chr10-71615628-G-A. GRCh37 (hg19) VCF-style: chr10-73375385-G-A.
Other names: c.945+12G>A (NM_001171930.2, NM_001171931.2, NM_052836.4 and 1 more transcripts).
Identifiers: ClinVar variation 178297 (VCV000178297.14), dbSNP rs368487424, ClinGen allele CA182062.

ClinVar aggregate classification (germline): Likely benign. Review status: criteria provided, multiple submitters, no conflicts (2 of 4 stars). 3 submissions from 3 submitters: Likely benign (3). Last evaluated 2026-01-28.

Allele frequency attached by ClinVar (database versions not stated): ExAC 0.00008; gnomAD 0.00022; 1000 Genomes Project 30x 0.00031; 1000 Genomes Project 0.00040; TOPMed 0.00043; ESP Exome Variant Server 0.00057.
gnomAD v4.1: 92 of 1,595,224 alleles (0.0058%); highest among the groups gnomAD compares: African/African-American, 0.11%; no homozygotes.

Submissions (3):

Labcorp Genetics (formerly Invitae), Labcorp
Classification: Likely benign. Last evaluated: 2026-01-28. Review status: criteria provided, single submitter. Criteria: Invitae Variant Classification Sherloc (09022015). Collection method: clinical testing. Allele origin: germline.

Blueprint Genetics
Classification: Likely benign. Last evaluated: 2024-06-18. Review status: criteria provided, single submitter. Criteria: ACMG Guidelines, 2015. Collection method: clinical testing. Allele origin: germline.

Laboratory for Molecular Medicine, Mass General Brigham Personalized Medicine
Classification: Likely benign. Last evaluated: 2016-09-22. Review status: criteria provided, single submitter. Criteria: LMM Criteria. Collection method: clinical testing. Allele origin: germline. Observed: 3 variant alleles.
Comment: c.945+12G>A in intron 10 of CDH23: This variant is not expected to have clinical significance because it is not located within the conserved region of the splic e consensus sequence and has been identified in 8/8920 African chromosomes by th e Exome Aggregation Consortium (ExAC; dbSNP rs36 8487424).